The following is an entry in ClinVar:

NM_001267727.2(ARSG):c.506A>C (p.Asp169Ala)

Gene: ARSG (arylsulfatase G; plus strand). Cytogenetic location: 17q24.2.
Variant type: single nucleotide variant.
Coding change: c.506A>C on transcript NM_001267727.2 (MANE Select); coding-DNA position 506, A replaced by C.
Protein change: p.Asp169Ala; replaces aspartic acid 169 with alanine.
Molecular consequence: missense variant.
Genome position (GRCh38, 1-based): chr17:68,351,626, A>C. VCF-style: chr17-68351626-A-C. GRCh37 (hg19) VCF-style: chr17-66347767-A-C.
Other names: c.506A>C, p.Asp169Ala (NM_001352899.2, NM_001352900.2, NM_001352901.2 and 8 more transcripts); c.458A>C, p.Asp153Ala (NM_001352909.2); short protein forms D153A, D169A.
Identifiers: ClinVar variation 1005075 (VCV001005075.8), dbSNP rs200203410, ClinGen allele CA8728256.

ClinVar aggregate classification (germline): Uncertain significance (1 of 4 stars; one submission).

Allele frequency attached by ClinVar (database versions not stated): gnomAD 0.00002; gnomAD exomes 0.00002 and 0.00003; ExAC 0.00003; TOPMed 0.00003.
gnomAD v4.1: 35 of 1,613,838 alleles (0.0022%); highest among the groups gnomAD compares: Non-Finnish European, 0.0028%; no homozygotes.

Submission:

Labcorp Genetics (formerly Invitae), Labcorp
Classification: Uncertain significance. Last evaluated: 2025-03-17. Review status: criteria provided, single submitter. Criteria: Invitae Variant Classification Sherloc (09022015). Collection method: clinical testing. Allele origin: germline.
Comment: This sequence change replaces aspartic acid, which is acidic and polar, with alanine, which is neutral and non-polar, at codon 169 of the ARSG protein (p.Asp169Ala). This variant is present in population databases (rs200203410, gnomAD 0.007%). This variant has not been reported in the literature in individuals affected with ARSG-related conditions. ClinVar contains an entry for this variant (Variation ID: 1005075). An algorithm developed to predict the effect of missense changes on protein structure and function (PolyPhen-2) suggests that this variant is likely to be disruptive. In summary, the available evidence is currently insufficient to determine the role of this variant in disease. Therefore, it has been classified as a Variant of Uncertain Significance.